The following is an entry in ClinVar:

ClinVar aggregate classification (germline): Likely benign (0 of 4 stars; one submission).

Conditions:
KIF1B-related disorder. Also called: KIF1B-related condition.

Allele frequency attached by ClinVar (database versions not stated): gnomAD exomes below 0.00001; TOPMed 0.00002; gnomAD 0.00003.
gnomAD v4.1: 7 of 1,614,088 alleles (0.00043%); highest among the groups gnomAD compares: Admixed American, 0.0067%; no homozygotes.

Submission:

PreventionGenetics, part of Exact Sciences
Classification: Likely benign for KIF1B-related condition. Last evaluated: 2022-05-06. Review status: no assertion criteria provided. Collection method: clinical testing. Allele origin: germline.
Comment: This variant is classified as likely benign based on ACMG/AMP sequence variant interpretation guidelines (Richards et al. 2015 PMID: 25741868, with internal and published modifications).

NM_001365951.3(KIF1B):c.2115+6587G>A

Gene: KIF1B (kinesin family member 1B; plus strand). Cytogenetic location: 1p36.22.
Variant type: single nucleotide variant.
Coding change: c.2115+6587G>A on transcript NM_001365951.3 (MANE Select); 6587 bases into the intron after coding-DNA position 2115, G replaced by A.
Molecular consequence: intron variant. On other transcripts: missense variant (2).
Genome position (GRCh38, 1-based): chr1:10,303,833, G>A. VCF-style: chr1-10303833-G-A. GRCh37 (hg19) VCF-style: chr1-10363891-G-A.
Other names: c.2648G>A, p.Ser883Asn (NM_001365953.1, NM_183416.4); c.1977+6587G>A (NM_015074.3); c.2115+6587G>A (NM_001365952.1); short protein forms S883N.
Identifiers: ClinVar variation 3061497 (VCV003061497.2), dbSNP rs1476122798, ClinGen allele CA338324626.
Genomic context (GRCh38, chr1:10,303,833, plus strand): 5'-CTCAGGAACAGAAAAGCCCAGGAAGCCACAAAGCAAAGGAGCCTGTTGGTGCTGGTGTTA[G>A]TAGCACCTCTGAGAATAATGTAAGTAAAGGAGACAATGGAGAACTTGCAAAAGAAGAACG-3'